The following is an entry in ClinVar:

ClinVar aggregate classification (germline): Uncertain significance. Review status: criteria provided, multiple submitters, no conflicts (2 of 4 stars). 3 submissions from 3 submitters: Uncertain significance (3). Last evaluated 2025-12-05.

Conditions:
DK1-congenital disorder of glycosylation. Also called: DK1-CDG; CONGENITAL DISORDER OF GLYCOSYLATION, TYPE Im; CDG Im; DK1 DEFICIENCY; DOLICHOL KINASE DEFICIENCY; DOLK-congenital disorder of glycosylation. Identifiers: Orphanet 91131, MedGen C1835849, MONDO:0012556, OMIM 610768.
Cardiovascular phenotype. Identifiers: MedGen CN230736.

Allele frequency attached by ClinVar (database versions not stated): ExAC 0.00002; gnomAD exomes 0.00002 and 0.00003.
gnomAD v4.1: 46 of 1,604,330 alleles (0.0029%); highest among the groups gnomAD compares: Non-Finnish European, 0.0038%; no homozygotes.

Submissions (3):

Ambry Genetics
Classification: Uncertain significance for Cardiovascular phenotype. Last evaluated: 2025-12-05. Review status: criteria provided, single submitter. Criteria: Ambry Variant Classification Scheme 2023. Collection method: clinical testing. Allele origin: germline.
Comment: The p.A129S variant (also known as c.385G>T), located in coding exon 1 of the DOLK gene, results from a G to T substitution at nucleotide position 385. The alanine at codon 129 is replaced by serine, an amino acid with similar properties. This amino acid position is highly conserved in available vertebrate species. In addition, the in silico prediction for this alteration is inconclusive. Since supporting evidence is limited at this time, the clinical significance of this alteration remains unclear.

Blueprint Genetics
Classification: Uncertain significance. Last evaluated: 2024-09-06. Review status: criteria provided, single submitter. Criteria: ACMG Guidelines, 2015. Collection method: clinical testing. Allele origin: germline.

Labcorp Genetics (formerly Invitae), Labcorp
Classification: Uncertain significance for DK1-congenital disorder of glycosylation. Last evaluated: 2021-09-01. Review status: criteria provided, single submitter. Criteria: Invitae Variant Classification Sherloc (09022015). Collection method: clinical testing. Allele origin: germline.
Comment: This sequence change replaces alanine with serine at codon 129 of the DOLK protein (p.Ala129Ser). The alanine residue is moderately conserved and there is a moderate physicochemical difference between alanine and serine. This variant is present in population databases (rs761013512, ExAC 0.003%). This variant has not been reported in the literature in individuals affected with DOLK-related conditions. Algorithms developed to predict the effect of missense changes on protein structure and function are either unavailable or do not agree on the potential impact of this missense change (SIFT: "Tolerated"; PolyPhen-2: "Probably Damaging"; Align-GVGD: "Class C0"). In summary, the available evidence is currently insufficient to determine the role of this variant in disease. Therefore, it has been classified as a Variant of Uncertain Significance.

NM_014908.4(DOLK):c.385G>T (p.Ala129Ser)

Gene: DOLK (dolichol kinase; minus strand). Cytogenetic location: 9q34.11.
Variant type: single nucleotide variant.
Coding change: c.385G>T on transcript NM_014908.4 (MANE Select); coding-DNA position 385, G replaced by T.
Protein change: p.Ala129Ser; replaces alanine 129 with serine.
Molecular consequence: missense variant.
Genome position (GRCh38, 1-based): chr9:128,946,919, C>A on the plus strand (G>T on the coding strand, the complement: DOLK is on the minus strand). VCF-style: chr9-128946919-C-A. GRCh37 (hg19) VCF-style: chr9-131709198-C-A.
Other names: short protein forms A129S.
Identifiers: ClinVar variation 966761 (VCV000966761.10), dbSNP rs761013512, ClinGen allele CA5271755.